The following is an entry in ClinVar:

ClinVar aggregate classification (germline): Uncertain significance (1 of 4 stars; one submission).

Submission:

Labcorp Genetics (formerly Invitae), Labcorp
Classification: Uncertain significance. Last evaluated: 2023-07-12. Review status: criteria provided, single submitter. Criteria: Invitae Variant Classification Sherloc (09022015). Collection method: clinical testing. Allele origin: germline.
Comment: This sequence change replaces asparagine, which is neutral and polar, with lysine, which is basic and polar, at codon 610 of the CARMIL2 protein (p.Asn610Lys). This variant is not present in population databases (gnomAD no frequency). This variant has not been reported in the literature in individuals affected with CARMIL2-related conditions. Advanced modeling of protein sequence and biophysical properties (such as structural, functional, and spatial information, amino acid conservation, physicochemical variation, residue mobility, and thermodynamic stability) performed at Invitae indicates that this missense variant is not expected to disrupt CARMIL2 protein function. In summary, the available evidence is currently insufficient to determine the role of this variant in disease. Therefore, it has been classified as a Variant of Uncertain Significance.

NM_001013838.3(CARMIL2):c.1830C>G (p.Asn610Lys)

Gene: CARMIL2 (capping protein regulator and myosin 1 linker 2; plus strand). Cytogenetic location: 16q22.1.
Variant type: single nucleotide variant.
Coding change: c.1830C>G on transcript NM_001013838.3 (MANE Select); coding-DNA position 1830, C replaced by G.
Protein change: p.Asn610Lys; replaces asparagine 610 with lysine.
Molecular consequence: missense variant.
Genome position (GRCh38, 1-based): chr16:67,649,530, C>G. VCF-style: chr16-67649530-C-G. GRCh37 (hg19) VCF-style: chr16-67683433-C-G.
Other names: c.1722C>G, p.Asn574Lys (NM_001317026.3); short protein forms N574K, N610K.
Identifiers: ClinVar variation 2742739 (VCV002742739.3), dbSNP rs2052674807, ClinGen allele CA396337792.